The following is an entry in ClinVar:

ClinVar aggregate classification (germline): Uncertain significance. Review status: criteria provided, multiple submitters, no conflicts (2 of 4 stars). 2 submissions from 2 submitters: Uncertain significance (2). Last evaluated 2025-07-23.

Conditions:
COL4A6-related disorder. Also called: COL4A6-related condition.

gnomAD v4.1: 16 of 1,199,291 alleles (0.0013%); highest among the groups gnomAD compares: Non-Finnish European, 0.0018%; no homozygotes.

Submissions (2):

Labcorp Genetics (formerly Invitae), Labcorp
Classification: Uncertain significance. Last evaluated: 2025-07-23. Review status: criteria provided, single submitter. Criteria: Invitae Variant Classification Sherloc (09022015). Collection method: clinical testing. Allele origin: germline.
Comment: This sequence change replaces proline, which is neutral and non-polar, with glutamine, which is neutral and polar, at codon 115 of the COL4A6 protein (p.Pro115Gln). This variant is present in population databases (rs370555492, gnomAD 0.003%). This variant has not been reported in the literature in individuals affected with COL4A6-related conditions. Invitae Evidence Modeling of protein sequence and biophysical properties (such as structural, functional, and spatial information, amino acid conservation, physicochemical variation, residue mobility, and thermodynamic stability) indicates that this missense variant is not expected to disrupt COL4A6 protein function with a negative predictive value of 80%. In summary, the available evidence is currently insufficient to determine the role of this variant in disease. Therefore, it has been classified as a Variant of Uncertain Significance.

PreventionGenetics, part of Exact Sciences
Classification: Uncertain significance for COL4A6-related condition. Last evaluated: 2025-06-05. Review status: criteria provided, single submitter. Criteria: ACMG Guidelines, 2015. Collection method: clinical testing. Allele origin: germline.
Comment: The COL4A6 c.344C>A variant is predicted to result in the amino acid substitution p.Pro115Gln. To our knowledge, this variant has not been reported in the literature. This variant is reported in 0.0022% of alleles in individuals of European (Non-Finnish) descent in gnomAD. At this time, the clinical significance of this variant is uncertain due to the absence of conclusive functional and genetic evidence.

NM_033641.4(COL4A6):c.341C>A (p.Pro114Gln)

Gene: COL4A6 (collagen type IV alpha 6 chain; minus strand). Cytogenetic location: Xq22.3.
Variant type: single nucleotide variant.
Coding change: c.341C>A on transcript NM_033641.4 (MANE Select); coding-DNA position 341, C replaced by A.
Protein change: p.Pro114Gln; replaces proline 114 with glutamine.
Molecular consequence: missense variant.
Genome position (GRCh38, 1-based): chrX:108,214,212, G>T on the plus strand (C>A on the coding strand, the complement: COL4A6 is on the minus strand). VCF-style: chrX-108214212-G-T. GRCh37 (hg19) VCF-style: chrX-107457442-G-T.
Other names: c.344C>A (NM_001847.3); c.341C>A, p.Pro114Gln (NM_001287758.2, NM_001287759.2, NM_001287760.2 and 1 more transcripts); c.344C>A, p.Pro115Gln (NM_001440759.1, NM_001847.4); short protein forms P114Q, P115Q.
Identifiers: ClinVar variation 4702952 (VCV004702952.2).